The following is an entry in ClinVar:

ClinVar aggregate classification (germline): Likely benign. Review status: criteria provided, multiple submitters, no conflicts (2 of 4 stars). 2 submissions from 2 submitters: Likely benign (2). Last evaluated 2025-04-11.

Conditions:
Maple syrup urine disease (MSUD). Identifiers: Orphanet 511, MedGen C0024776, MeSH D008375, MONDO:0009563. Disease mechanism: loss of function.

Allele frequency attached by ClinVar (database versions not stated): gnomAD exomes 0.00002; ExAC 0.00004; TOPMed 0.00004; gnomAD 0.00005 and 0.00006; ESP Exome Variant Server 0.00008.
gnomAD v4.1: 19 of 1,607,272 alleles (0.0012%); highest among the groups gnomAD compares: African/African-American, 0.008%; no homozygotes.

Submissions (2):

Labcorp Genetics (formerly Invitae), Labcorp
Classification: Likely benign for Maple syrup urine disease. Last evaluated: 2025-04-11. Review status: criteria provided, single submitter. Criteria: Invitae Variant Classification Sherloc (09022015). Collection method: clinical testing. Allele origin: germline.

GeneDx
Classification: Likely benign. Last evaluated: 2016-02-17. Review status: criteria provided, single submitter. Criteria: GeneDx Variant Classification (06012015). Collection method: clinical testing. Allele origin: germline. Affected: yes.
Comment: This variant is considered likely benign or benign based on one or more of the following criteria: it is a conservative change, it occurs at a poorly conserved position in the protein, it is predicted to be benign by multiple in silico algorithms, and/or has population frequency not consistent with disease.

NM_000709.4(BCKDHA):c.1032G>A (p.Ala344=)

Gene: BCKDHA (branched chain keto acid dehydrogenase E1 subunit alpha; plus strand). Cytogenetic location: 19q13.2.
Variant type: single nucleotide variant.
Coding change: c.1032G>A on transcript NM_000709.4 (MANE Select); coding-DNA position 1032, G replaced by A.
Protein change: p.Ala344=; no amino-acid change (alanine 344 retained).
Molecular consequence: synonymous variant.
Genome position (GRCh38, 1-based): chr19:41,423,034, G>A. VCF-style: chr19-41423034-G-A. GRCh37 (hg19) VCF-style: chr19-41928939-G-A.
Other names: c.1029G>A, p.Ala343= (NM_001164783.2).
Identifiers: ClinVar variation 382992 (VCV000382992.8), dbSNP rs376446100, ClinGen allele CA9461360.